The following is an entry in ClinVar:

NM_001375567.1(FOCAD):c.4102A>G (p.Ile1368Val)

Gene: FOCAD (focadhesin; plus strand). Cytogenetic location: 9p21.3.
Variant type: single nucleotide variant.
Coding change: c.4102A>G on transcript NM_001375567.1 (MANE Select); coding-DNA position 4102, A replaced by G.
Protein change: p.Ile1368Val; replaces isoleucine 1368 with valine.
Molecular consequence: missense variant.
Genome position (GRCh38, 1-based): chr9:20,953,035, A>G. VCF-style: chr9-20953035-A-G. GRCh37 (hg19) VCF-style: chr9-20953034-A-G.
Other names: c.4102A>G (NM_017794.4); c.3997A>G, p.Ile1333Val (NM_001375568.1, NM_001375570.1); c.4102A>G, p.Ile1368Val (NM_017794.5); short protein forms I1368V, I1333V.
Identifiers: ClinVar variation 2312045 (VCV002312045.4), dbSNP rs545081699, ClinGen allele CA5007807.

ClinVar aggregate classification (germline): Uncertain significance. Review status: criteria provided, multiple submitters, no conflicts (2 of 4 stars). 2 submissions from 2 submitters: Uncertain significance (2). Last evaluated 2025-04-30.

Conditions:
Inborn genetic diseases. Identifiers: MedGen C0950123, MeSH D030342.

Allele frequency attached by ClinVar (database versions not stated): ExAC 0.00012; 1000 Genomes Project 30x 0.00016; 1000 Genomes Project 0.00020; gnomAD 0.00002; gnomAD exomes 0.00005.
gnomAD v4.1: 78 of 1,613,496 alleles (0.0048%); highest among the groups gnomAD compares: South Asian, 0.078%; no homozygotes.

Submissions (2):

Ambry Genetics
Classification: Uncertain significance for Inborn genetic diseases. Last evaluated: 2025-04-30. Review status: criteria provided, single submitter. Criteria: Ambry Variant Classification Scheme 2023. Collection method: clinical testing. Allele origin: germline.

GeneDx
Classification: Uncertain significance. Last evaluated: 2025-02-03. Review status: criteria provided, single submitter. Criteria: GeneDx Variant Classification Process June 2021. Collection method: clinical testing. Allele origin: germline. Affected: yes.
Comment: In silico analysis indicates that this missense variant does not alter protein structure/function; Has not been previously published as pathogenic or benign to our knowledge